The following is an entry in ClinVar:

NM_004260.4(RECQL4):c.2046G>A (p.Arg682=)

Gene: RECQL4 (RecQ like helicase 4; minus strand). Cytogenetic location: 8q24.3.
Variant type: single nucleotide variant.
Coding change: c.2046G>A on transcript NM_004260.4 (MANE Select); coding-DNA position 2046, G replaced by A.
Protein change: p.Arg682=; no amino-acid change (arginine 682 retained).
Molecular consequence: synonymous variant.
Genome position (GRCh38, 1-based): chr8:144,513,940, C>T on the plus strand (G>A on the coding strand, the complement: RECQL4 is on the minus strand). VCF-style: chr8-144513940-C-T. GRCh37 (hg19) VCF-style: chr8-145739324-C-T.
Identifiers: ClinVar variation 703016 (VCV000703016.12), dbSNP rs558318269, ClinGen allele CA4948535.

ClinVar aggregate classification (germline): Conflicting classifications of pathogenicity. Review status: criteria provided, conflicting classifications (1 of 4 stars). 3 submissions from 3 submitters: Uncertain significance (1); Likely benign (2). Last evaluated 2024-12-02.

Conditions:
Baller-Gerold syndrome (BGS). Also called: CRANIOSYNOSTOSIS WITH RADIAL DEFECTS. Identifiers: Orphanet 1225, MedGen C0265308, MONDO:0009039, OMIM 218600.
Inborn genetic diseases. Identifiers: MedGen C0950123, MeSH D030342.
Hereditary cancer-predisposing syndrome. Also called: Tumor predisposition; Hereditary neoplastic syndrome; Neoplastic Syndromes, Hereditary; Hereditary Cancer Syndrome. Identifiers: Orphanet 140162, MedGen C0027672, MeSH D009386, MONDO:0015356.

Allele frequency attached by ClinVar (database versions not stated): ExAC below 0.00001; gnomAD 0.00001; gnomAD exomes 0.00001; TOPMed 0.00002; 1000 Genomes Project 0.00020; 1000 Genomes Project 30x 0.00031.

Submissions (3):

Ambry Genetics
Classification: Likely benign for Inborn genetic diseases. Last evaluated: 2024-12-02. Review status: criteria provided, single submitter. Criteria: Ambry Variant Classification Scheme 2023. Collection method: clinical testing. Allele origin: germline.

Labcorp Genetics (formerly Invitae), Labcorp
Classification: Likely benign for Baller-Gerold syndrome. Last evaluated: 2024-10-11. Review status: criteria provided, single submitter. Criteria: Invitae Variant Classification Sherloc (09022015). Collection method: clinical testing. Allele origin: germline.

Sema4
Classification: Uncertain significance for Hereditary cancer-predisposing syndrome. Last evaluated: 2021-12-20. Review status: criteria provided, single submitter. Criteria: Sema4 Curation Guidelines. Collection method: curation. Allele origin: germline.
Comment: The RECQL4 c.2046G>A (p.R682=) variant has not been reported in the literature to our knowledge. This variant was observed in 1/8244 chromosomes in the African/African American population according to the Genome Aggregation Database (PMID: 32461654). This variant has been reported in ClinVar (Variation ID 703016). In silico tools that predict the effect of sequence changes on splicing suggest that this variant may impact splicing though these predictions have not been confirmed by functional studies. The overall evidence is insufficient to meet ACMG/AMP criteria for classifying it as benign or pathogenic. In summary, the clinical significance of this variant is currently uncertain.